The following is an entry in ClinVar:

ClinVar aggregate classification (germline): Pathogenic (1 of 4 stars; one submission).

Conditions:
Neuronal ceroid lipofuscinosis 2. Also called: TPP1-Related Neuronal Ceroid-Lipofuscinosis; JANSKY-BIELSCHOWSKY DISEASE NEURONAL CEROID LIPOFUSCINOSIS, LATE INFANTILE. Identifiers: Orphanet 168491, Orphanet 228349, Orphanet 79264, MedGen C1876161, MONDO:0008769, OMIM 204500.

Submission:

Myriad Genetics, Inc.
Classification: Pathogenic for Neuronal ceroid lipofuscinosis 2. Last evaluated: 2023-09-24. Review status: criteria provided, single submitter. Criteria: Myriad Autosomal Dominant, Autosomal Recessive and X-Linked Classification Criteria (2023). Collection method: clinical testing. Allele origin: unknown.
Comment: NM_000391.3(TPP1):c.873_874del2ins9(S293Kfs*4) is expected to be pathogenic in the context of TPP1-related neuronal ceroid lipofuscinosis. This variant is predicted to lead to an abnormal or absent protein product due to the creation of a premature termination codon in TPP1, a gene where loss-of-function variants are known to be pathogenic. Please note: this variant was assessed in the context of healthy population screening.

NM_000391.4(TPP1):c.873_874delinsGTATAAGAG (p.Ser293fs)

Gene: TPP1 (tripeptidyl peptidase 1; minus strand). Cytogenetic location: 11p15.4.
Variant type: Indel.
Coding change: c.873_874delinsGTATAAGAG on transcript NM_000391.4 (MANE Select); coding-DNA positions 873 to 874, CT replaced by GTATAAGAG.
Protein change: p.Ser293fs; shifts the reading frame from serine 293.
Molecular consequence: frameshift variant.
Genome position (GRCh38, 1-based): chr11:6,616,673-6,616,674, AG replaced by CTCTTATAC on the plus strand (CT replaced by GTATAAGAG on the coding strand, the reverse complement: TPP1 is on the minus strand). VCF-style: chr11-6616673-AG-CTCTTATAC. GRCh37 (hg19) VCF-style: chr11-6637904-AG-CTCTTATAC.
Other names: short protein forms S293fs.
Identifiers: ClinVar variation 5011731 (VCV005011731.1).